The following is an entry in ClinVar:

NM_000393.5(COL5A2):c.2554-3T>C

Gene: COL5A2 (collagen type V alpha 2 chain; minus strand). Cytogenetic location: 2q32.2.
Variant type: single nucleotide variant.
Coding change: c.2554-3T>C on transcript NM_000393.5 (MANE Select); 3 bases into the intron before coding-DNA position 2554, T replaced by C.
Molecular consequence: intron variant.
Genome position (GRCh38, 1-based): chr2:189,053,021, A>G on the plus strand (T>C on the coding strand, the complement: COL5A2 is on the minus strand). VCF-style: chr2-189053021-A-G. GRCh37 (hg19) VCF-style: chr2-189917747-A-G.
Identifiers: ClinVar variation 3609064 (VCV003609064.2).
Genomic context (GRCh38, chr2:189,053,021, plus strand): 5'-CTCCCTTCTGTCCTGGCTCTCCAGGTTCACCTTTTACTCCAGGCTGTCCGTCAGGACCCT[A>G]TAAAAAATTATACAAACAAGCAATTGATTATAAGACTTATAGACAAATTACTTTAGAGTA-3'

ClinVar aggregate classification (germline): Uncertain significance (1 of 4 stars; one submission).

Conditions:
Ehlers-Danlos syndrome, classic type, 1 (EDSCL1). Also called: EHLERS-DANLOS SYNDROME, GRAVIS TYPE; EHLERS-DANLOS SYNDROME, SEVERE CLASSIC TYPE; Ehlers-Danlos syndrome, type 1; Ehlers-Danlos Syndrome, Classic Type, COL5A1-Related; EDS I. Identifiers: MedGen C0268335, MONDO:0019567, OMIM 130000.

Submission:

Labcorp Genetics (formerly Invitae), Labcorp
Classification: Uncertain significance for Ehlers-Danlos syndrome, classic type, 1. Last evaluated: 2026-02-02. Review status: criteria provided, single submitter. Criteria: Invitae Variant Classification Sherloc (09022015). Collection method: clinical testing. Allele origin: germline.
Comment: This sequence change falls in intron 38 of the COL5A2 gene. It does not directly change the encoded amino acid sequence of the COL5A2 protein. It affects a nucleotide within the consensus splice site. This variant is not present in population databases (gnomAD no frequency). This variant has not been reported in the literature in individuals affected with COL5A2-related conditions. ClinVar contains an entry for this variant (Variation ID: 3609064). Variants that disrupt the consensus splice site are a relatively common cause of aberrant splicing (PMID: 17576681, 9536098). Algorithms developed to predict the effect of sequence changes on RNA splicing suggest that this variant is not likely to affect RNA splicing. In summary, the available evidence is currently insufficient to determine the role of this variant in disease. Therefore, it has been classified as a Variant of Uncertain Significance.

Literature cited by the submitters: PubMed 17576681; PubMed 9536098.